The following is an entry in ClinVar:

ClinVar aggregate classification (germline): Pathogenic. Review status: reviewed by expert panel (3 of 4 stars). 4 submissions from 4 submitters: Pathogenic (1). 3 of the submissions do not count toward it. Last evaluated 2016-10-18.

Conditions:
Hereditary breast ovarian cancer syndrome. Also called: Hereditary breast and ovarian cancer syndrome (HBOC); Breast and ovarian cancer; Hereditary breast and ovarian cancer syndrome; Hereditary breast and ovarian cancer; BRCA1- and BRCA2-Associated Hereditary Breast and Ovarian Cancer; Hereditary breast and/or ovarian cancer syndrome. Identifiers: Orphanet 145, MedGen C0677776, MeSH D061325, MONDO:0003582. Disease mechanism: loss of function.
Breast-ovarian cancer, familial, susceptibility to, 1 (BROVCA1). Also called: BRCA1 Hereditary Breast and Ovarian Cancer; OVARIAN CANCER, SUSCEPTIBILITY TO. Identifiers: Orphanet 145, MedGen C2676676, MONDO:0011450, OMIM 604370. Disease mechanism: loss of function.
Hereditary cancer-predisposing syndrome. Also called: Hereditary Cancer Syndrome; Neoplastic Syndromes, Hereditary; Hereditary neoplastic syndrome; Tumor predisposition. Identifiers: Orphanet 140162, MedGen C0027672, MeSH D009386, MONDO:0015356.

Submissions (4):

Evidence-based Network for the Interpretation of Germline Mutant Alleles (ENIGMA)
Classification: Pathogenic for Breast-ovarian cancer, familial, susceptibility to, 1. Last evaluated: 2016-10-18. Review status: reviewed by expert panel. Criteria: ENIGMA BRCA1/2 Classification Criteria (2015). Collection method: curation. Allele origin: germline.
Comment: Variant allele predicted to encode a truncated non-functional protein.

Color Diagnostics, LLC DBA Color Health
Classification: Pathogenic for Hereditary cancer-predisposing syndrome. Last evaluated: 2024-03-05. Review status: criteria provided, single submitter. Criteria: ACMG Guidelines, 2015. Collection method: clinical testing. Allele origin: germline. Not counted in ClinVar's aggregate classification.
Comment: This variant inserts 1 nucleotide in exon 15 of the BRCA1 gene, creating a frameshift and premature translation stop signal. This variant is expected to result in an absent or non-functional protein product. This variant has been reported in four individuals affected with breast, ovarian and/or pancreatic cancer (PMID: 27882536, 30103829, 33573335). This variant has not been identified in the general population by the Genome Aggregation Database (gnomAD). Loss of BRCA1 function is a known mechanism of disease. Based on the available evidence, this variant is classified as Pathogenic.

Labcorp Genetics (formerly Invitae), Labcorp
Classification: Pathogenic for Hereditary breast ovarian cancer syndrome. Last evaluated: 2019-08-16. Review status: criteria provided, single submitter. Criteria: Invitae Variant Classification Sherloc (09022015). Collection method: clinical testing. Allele origin: germline. Not counted in ClinVar's aggregate classification.
Comment: This sequence change creates a premature translational stop signal (p.Tyr1563*) in the BRCA1 gene. It is expected to result in an absent or disrupted protein product. This variant is not present in population databases (ExAC no frequency). This variant has been observed in an individual affected with breast and/or ovarian cancer (PMID: 27882536). ClinVar contains an entry for this variant (Variation ID: 266490). Loss-of-function variants in BRCA1 are known to be pathogenic (PMID: 20104584). For these reasons, this variant has been classified as Pathogenic.

Consortium of Investigators of Modifiers of BRCA1/2 (CIMBA), c/o University of Cambridge
Classification: Pathogenic for Breast-ovarian cancer, familial, susceptibility to, 1. Last evaluated: 2015-10-02. Review status: criteria provided, single submitter. Criteria: CIMBA Mutation Classification guidelines May 2016. Collection method: clinical testing. Allele origin: germline. Not counted in ClinVar's aggregate classification.

Literature cited by the submitters: PubMed 27882536 (cited by Color Diagnostics, LLC DBA Color Health and Labcorp Genetics (formerly Invitae), Labcorp); PubMed 30103829 (cited by Color Diagnostics, LLC DBA Color Health); PubMed 33573335 (cited by Color Diagnostics, LLC DBA Color Health); PubMed 20104584 (cited by Labcorp Genetics (formerly Invitae), Labcorp).

NM_007294.4(BRCA1):c.4688dup (p.Tyr1563Ter)

Gene: BRCA1 (BRCA1 DNA repair associated; minus strand). Cytogenetic location: 17q21.31.
Variant type: Duplication.
Coding change: c.4688dup on transcript NM_007294.4 (MANE Select); coding-DNA position 4688, one base duplicated (A; older notation c.4688dupA).
Protein change: p.Tyr1563Ter; replaces tyrosine 1563 with a stop codon.
Molecular consequence: nonsense. On other transcripts: frameshift variant (364), non-coding transcript variant (1).
Genome position (GRCh38, 1-based): chr17:43,071,226, T duplicated on the plus strand (A on the coding strand, the reverse complement: BRCA1 is on the minus strand). VCF-style (leftmost placement, unchanged base first): chr17-43071225-G-GT. GRCh37 (hg19) VCF-style: chr17-41223242-G-GT.
Other names: 4807dupA; c.4472dup, p.Tyr1491Terfs (NM_001407918.1, NM_001407915.1, NM_001407916.1 and 1 more transcripts); c.4565dup, p.Tyr1522Terfs (NM_001407919.1, NM_001407937.1, NM_001407938.1 and 6 more transcripts); c.4424dup, p.Tyr1475Terfs (NM_001407920.1, NM_001407921.1, NM_001407922.1 and 4 more transcripts); c.4421dup, p.Tyr1474Terfs (NM_001407927.1, NM_001407928.1, NM_001407929.1 and 4 more transcripts); c.4418dup, p.Tyr1473Terfs (NM_001407934.1, NM_001407935.1, NM_001407936.1); c.4562dup, p.Tyr1521Terfs (NM_001407939.1, NM_001407940.1, NM_001407670.1 and 11 more transcripts); c.4559dup, p.Tyr1520Terfs (NM_001407941.1, NM_001407681.1, NM_001407682.1 and 6 more transcripts); and 74 more; short protein forms Y1584*, Y459*, Y1563*, Y1516*.
Identifiers: ClinVar variation 266490 (VCV000266490.16), dbSNP rs886040243, ClinGen allele CA10589649.
Genomic context (GRCh38, chr17:43,071,225, plus strand): 5'-TCTGTCTTCAGAAGGATCAGATTCAGGGTCATCAGAGAAGAGGCTGATTCCAGATTCCAG[G>GT]TAAGGGGTTCCCTCTGAAAGGAATGGGAGAAGTTTAATTTACACAACGATGAATGTTGAA-3'